The following is an entry in ClinVar:

NM_014112.5(TRPS1):c.697C>T (p.Gln233Ter)

Gene: TRPS1 (transcriptional repressor GATA binding 1; minus strand). Cytogenetic location: 8q23.3.
Variant type: single nucleotide variant.
Coding change: c.697C>T on transcript NM_014112.5 (MANE Select); coding-DNA position 697, C replaced by T.
Protein change: p.Gln233Ter; replaces glutamine 233 with a stop codon.
Molecular consequence: nonsense.
Genome position (GRCh38, 1-based): chr8:115,619,401, G>A on the plus strand (C>T on the coding strand, the complement: TRPS1 is on the minus strand). VCF-style: chr8-115619401-G-A. GRCh37 (hg19) VCF-style: chr8-116631628-G-A.
Other names: p.Gln233*; c.670C>T, p.Gln224Ter (NM_001282902.3); c.676C>T, p.Gln226Ter (NM_001282903.3); c.658C>T, p.Gln220Ter (NM_001330599.2); short protein forms Q220*, Q224*, Q226*, Q233*.
Identifiers: ClinVar variation 2627741 (VCV002627741.1), dbSNP rs2536914279, ClinGen allele CA372069076.

ClinVar aggregate classification (germline): Pathogenic (0 of 4 stars; one submission).

Conditions:
Trichorhinophalangeal dysplasia type I (TRPS1). Also called: TRPS I; TRICHORHINOPHALANGEAL SYNDROME, TYPE I. Identifiers: Orphanet 77258, MedGen C0432233, MONDO:0008596, OMIM 190350.

Submission:

Clinical Genomics Laboratory, Stanford Medicine
Classification: Pathogenic for Trichorhinophalangeal dysplasia type I. Last evaluated: 2020-11-25. Review status: no assertion criteria provided. Collection method: clinical testing. Allele origin: germline. Inheritance: Autosomal dominant inheritance. Affected: yes. Observed: 1 heterozygote.
Comment: This variant was absent from large population databases, including the Genome Aggregation Database. The p.Gln233* variant leads to a premature stop codon in exon 3 of 7 coding exons, and is therefore predicted to undergo nonsense-mediated decay resulting in a truncated or absent protein. Heterozygous loss of function is an established mechanism of disease for the TRPS1 gene. These data were assessed using the ACMG/AMP variant interpretation guidelines. In summary, there is sufficient evidence to classify the p.Gln233* variant as pathogenic for autosomal dominant trichorhinophalangeal syndrome based on the information above. [ACMG evidence codes used: PVS1; PM2; PS2_Supporting]